The following is an entry in ClinVar:

ClinVar aggregate classification (germline): Uncertain significance. Review status: criteria provided, multiple submitters, no conflicts (2 of 4 stars). 2 submissions from 2 submitters: Uncertain significance (2). Last evaluated 2026-04-24.

Conditions:
Catecholaminergic polymorphic ventricular tachycardia 1. Also called: VENTRICULAR TACHYCARDIA, CATECHOLAMINERGIC POLYMORPHIC, 1, WITH OR WITHOUT ATRIAL DYSFUNCTION AND/OR DILATED CARDIOMYOPATHY; RYR2-Related Catecholaminergic Polymorphic Ventricular Tachycardia; VENTRICULAR TACHYCARDIA, STRESS-INDUCED POLYMORPHIC 1. Identifiers: Orphanet 3286, MedGen C1631597, MONDO:0011484, OMIM 604772.

Submissions (2):

GeneDx
Classification: Uncertain significance. Last evaluated: 2026-04-24. Review status: criteria provided, single submitter. Criteria: GeneDx Variant Classification Process June 2021. Collection method: clinical testing. Allele origin: germline.
Comment: Not observed at significant frequency in large population cohorts (gnomAD); In silico analysis supports that this missense variant has a deleterious effect on protein structure/function; Has not been previously published as pathogenic or benign to our knowledge; Located in one of the three hot-spot regions of the RYR2 gene, where the majority of pathogenic missense variants occur (PMID: 19926015); This variant is associated with the following publications: (PMID: 19926015)

Labcorp Genetics (formerly Invitae), Labcorp
Classification: Uncertain significance for Catecholaminergic polymorphic ventricular tachycardia 1. Last evaluated: 2019-11-27. Review status: criteria provided, single submitter. Criteria: Invitae Variant Classification Sherloc (09022015). Collection method: clinical testing. Allele origin: germline.
Comment: This sequence change replaces leucine with valine at codon 3878 of the RYR2 protein (p.Leu3878Val). The leucine residue is highly conserved and there is a small physicochemical difference between leucine and valine. This variant is not present in population databases (ExAC no frequency). This variant has not been reported in the literature in individuals with RYR2-related conditions. Algorithms developed to predict the effect of missense changes on protein structure and function are either unavailable or do not agree on the potential impact of this missense change (SIFT: "Deleterious"; PolyPhen-2: "Probably Damaging"; Align-GVGD: "Class C0"). In summary, the available evidence is currently insufficient to determine the role of this variant in disease. Therefore, it has been classified as a Variant of Uncertain Significance.

NM_001035.3(RYR2):c.11632C>G (p.Leu3878Val)

Gene: RYR2 (ryanodine receptor 2; plus strand). Cytogenetic location: 1q43.
Variant type: single nucleotide variant.
Coding change: c.11632C>G on transcript NM_001035.3 (MANE Select); coding-DNA position 11632, C replaced by G.
Protein change: p.Leu3878Val; replaces leucine 3878 with valine.
Molecular consequence: missense variant.
Genome position (GRCh38, 1-based): chr1:237,772,086, C>G. VCF-style: chr1-237772086-C-G. GRCh37 (hg19) VCF-style: chr1-237935386-C-G.
Other names: short protein forms L3878V.
Identifiers: ClinVar variation 840778 (VCV000840778.12), dbSNP rs1694316783, ClinGen allele CA345407270.